The following is an entry in ClinVar:

ClinVar aggregate classification (germline): not provided (0 of 4 stars; one submission).

Conditions:
Preeclampsia. Identifiers: Orphanet 275555, MedGen C0032914, MONDO:0005081, HP:0100602.

Submission:

Institute of Molecular and Cell Biology, University of Tartu
No classification provided. Condition: Preeclampsia. Review status: no classification provided. Collection method: case-control. Allele origin: unknown. Affected: yes. Study: Kasak2014.
Comment: The study aimed to determine the contribution of copy number variants in the genetic etiology of normal and complicated pregnancies. The samples represented (i) maternal blood DNA drawn from healthy pregnant women during 1st or 2nd trimester and (ii) maternal and paternal blood DNA drawn at term pregnancy cases representing normal and complicated gestations (severe preeclampsia, PE; gestational diabetes, GD; small-for-gestational age newborn, SGA; large-for-gestational age newborn, LGA). We performed CNV calling based on genome-wide genotyping dataset (Illumina HumanOmniExpress-24-v1 BeadChip) by applying three algorithms, QuantiSNP, GADA (Genome Alteration Detection Algorithm) and CNstream in parallel. The acquired CNV calls were merged with HD-CNV (Hotspot Detector for Copy Number Variants) program and only the CNVs predicted by at least two programs, were considered in subsequent analysis.

Literature cited by the submitters: PubMed 25666259.

NM_001135924.3(VWDE):c.541+441_879+501del

Gene: VWDE (von Willebrand factor D and EGF domains; minus strand). Cytogenetic location: 7p21.3.
Variant type: Deletion.
Coding change: c.541+441_879+501del on transcript NM_001135924.3 (MANE Select); 441 bases into the intron after coding-DNA position 541 through 501 bases into the intron after coding-DNA position 879, 4,120 bases deleted.
Molecular consequence: splice acceptor variant, splice donor variant.
Genome position (GRCh38, 1-based): chr7:12,378,976-12,383,095, 4,120 bases deleted. GRCh37 (hg19): chr7:12,418,602-12,422,721.
Other names: c.76+441_414+501del (NM_001346973.2); c.541+441_879+501del (NM_001346972.2).
Identifiers: ClinVar variation 157040 (VCV000157040.2), ClinGen allele CA212174.